The following is an entry in ClinVar:

ClinVar aggregate classification (germline): Uncertain significance. Review status: criteria provided, single submitter (1 of 4 stars). 2 submissions from 2 submitters: Uncertain significance (1). 1 of the submissions does not count toward it. Last evaluated 2022-06-07.

Conditions:
Supravalvar aortic stenosis (SVAS). Also called: Supravalvar aortic stenosis, Eisenberg type. Identifiers: Orphanet 3193, MedGen C0003499, MONDO:0008504, OMIM 185500, HP:0004381.
ELN-related disorder.

Allele frequency attached by ClinVar (database versions not stated): gnomAD exomes 0.00001; TOPMed 0.00001.
gnomAD v4.1: 9 of 1,613,972 alleles (0.00056%); highest among the groups gnomAD compares: Non-Finnish European, 0.00076%; no homozygotes.

Submissions (2):

Labcorp Genetics (formerly Invitae), Labcorp
Classification: Uncertain significance for Supravalvar aortic stenosis. Last evaluated: 2022-06-07. Review status: criteria provided, single submitter. Criteria: Invitae Variant Classification Sherloc (09022015). Collection method: clinical testing. Allele origin: germline.
Comment: This sequence change replaces glycine, which is neutral and non-polar, with arginine, which is basic and polar, at codon 78 of the ELN protein (p.Gly78Arg). This variant also falls at the last nucleotide of exon 5, which is part of the consensus splice site for this exon. This variant is not present in population databases (gnomAD no frequency). This variant has not been reported in the literature in individuals affected with ELN-related conditions. Algorithms developed to predict the effect of missense changes on protein structure and function are either unavailable or do not agree on the potential impact of this missense change (SIFT: "Deleterious"; PolyPhen-2: "Not Available"; Align-GVGD: "Class C15"). Variants that disrupt the consensus splice site are a relatively common cause of aberrant splicing (PMID: 17576681, 9536098). Algorithms developed to predict the effect of sequence changes on RNA splicing suggest that this variant may disrupt the consensus splice site. In summary, the available evidence is currently insufficient to determine the role of this variant in disease. Therefore, it has been classified as a Variant of Uncertain Significance.

PreventionGenetics, part of Exact Sciences
Classification: Uncertain significance for ELN-related condition. Last evaluated: 2024-02-16. Review status: no assertion criteria provided. Collection method: clinical testing. Allele origin: germline. Not counted in ClinVar's aggregate classification.
Comment: The ELN c.232G>A variant is predicted to result in the amino acid substitution p.Gly78Arg. To our knowledge, this variant has not been reported in the literature or in a large population database, indicating this variant is rare. At this time, the clinical significance of this variant is uncertain due to the absence of conclusive functional and genetic evidence.

Literature cited by the submitters: PubMed 17576681 (cited by Labcorp Genetics (formerly Invitae), Labcorp); PubMed 9536098 (cited by Labcorp Genetics (formerly Invitae), Labcorp).

NM_000501.4(ELN):c.232G>A (p.Gly78Arg)

Gene: ELN (elastin; plus strand). Cytogenetic location: 7q11.23.
Variant type: single nucleotide variant.
Coding change: c.232G>A on transcript NM_000501.4 (MANE Select); coding-DNA position 232, G replaced by A.
Protein change: p.Gly78Arg; replaces glycine 78 with arginine.
Molecular consequence: missense variant. On other transcripts: intron variant (1).
Genome position (GRCh38, 1-based): chr7:74,041,251, G>A. VCF-style: chr7-74041251-G-A. GRCh37 (hg19) VCF-style: chr7-73455581-G-A.
Other names: c.202G>A, p.Gly68Arg (NM_001081752.3, NM_001278914.2, NM_001278917.2 and 1 more transcripts); c.232G>A, p.Gly78Arg (NM_001081753.3, NM_001081754.3, NM_001081755.3 and 4 more transcripts); c.197-1363G>A (NM_001278913.2); c.232G>A (NM_000501.3); short protein forms G78R, G68R.
Identifiers: ClinVar variation 2165380 (VCV002165380.6), dbSNP rs1489452334, ClinGen allele CA367869132.